The following is an entry in ClinVar:

ClinVar aggregate classification (germline): Likely benign. Review status: criteria provided, multiple submitters, no conflicts (2 of 4 stars). 4 submissions from 4 submitters: Likely benign (4). Last evaluated 2025-10-09.

Conditions:
Long QT syndrome (LQTS). Identifiers: MedGen C0023976, MeSH D008133, MONDO:0002442. Disease mechanism: loss of function. Inheritance: Various modes of inheritance.
Cardiovascular phenotype. Identifiers: MedGen CN230736.

Allele frequency attached by ClinVar (database versions not stated): gnomAD 0.00003.
gnomAD v4.1: 30 of 1,613,328 alleles (0.0019%); highest among the groups gnomAD compares: East Asian, 0.038%; no homozygotes.

Submissions (4):

Labcorp Genetics (formerly Invitae), Labcorp
Classification: Likely benign for Long QT syndrome. Last evaluated: 2025-10-09. Review status: criteria provided, single submitter. Criteria: Invitae Variant Classification Sherloc (09022015). Collection method: clinical testing. Allele origin: germline.

Blueprint Genetics
Classification: Likely benign. Last evaluated: 2024-04-08. Review status: criteria provided, single submitter. Criteria: ACMG Guidelines, 2015. Collection method: clinical testing. Allele origin: germline.

Ambry Genetics
Classification: Likely benign for Cardiovascular phenotype. Last evaluated: 2019-12-30. Review status: criteria provided, single submitter. Criteria: Ambry Variant Classification Scheme 2023. Collection method: clinical testing. Allele origin: germline.

GeneDx
Classification: Likely benign. Last evaluated: 2018-03-27. Review status: criteria provided, single submitter. Criteria: GeneDx Variant Classification (06012015). Collection method: clinical testing. Allele origin: germline. Affected: yes.
Comment: This variant is considered likely benign or benign based on one or more of the following criteria: it is a conservative change, it occurs at a poorly conserved position in the protein, it is predicted to be benign by multiple in silico algorithms, and/or has population frequency not consistent with disease.

NM_001148.6(ANK2):c.4260G>A (p.Thr1420=)

Gene: ANK2 (ankyrin 2; plus strand). Cytogenetic location: 4q26.
Variant type: single nucleotide variant.
Coding change: c.4260G>A on transcript NM_001148.6 (MANE Select); coding-DNA position 4260, G replaced by A.
Protein change: p.Thr1420=; no amino-acid change (threonine 1420 retained).
Molecular consequence: synonymous variant.
Genome position (GRCh38, 1-based): chr4:113,345,911, G>A. VCF-style: chr4-113345911-G-A. GRCh37 (hg19) VCF-style: chr4-114267067-G-A.
Other names: c.4233G>A, p.Thr1411= (NM_001127493.3); c.4272G>A, p.Thr1424= (NM_001354225.2); c.4161G>A, p.Thr1387= (NM_001354228.2, NM_001354258.2); c.4239G>A, p.Thr1413= (NM_001354230.2); c.4302G>A, p.Thr1434= (NM_001354231.2, NM_001354242.2); c.4296G>A, p.Thr1432= (NM_001354232.2); c.4257G>A, p.Thr1419= (NM_001354235.2, NM_001354246.2, NM_001354265.2); c.4158G>A, p.Thr1386= (NM_001354236.2); and 31 more.
Identifiers: ClinVar variation 668178 (VCV000668178.11), dbSNP rs571896168, ClinGen allele CA3051035.
Genomic context (GRCh38, chr4:113,345,911, plus strand): 5'-ATACTGCAAATCAAATGTGGGTGAAGCATGTATGTCTTTCTTGTTCAAGGTACGCGATAC[G>A]ACTCAGGAACCTTGCGGACGACTATCATTTATGAAGGAGCCAAAATCCACGAGAGGCCTG-3'
Protein context (NP_001139.3, residues 1410-1430): RLPLFVKVRD[Thr1420=]TQEPCGRLSF